The following is an entry in ClinVar:

NM_001044385.3(TMEM237):c.*564T>C

Gene: TMEM237 (transmembrane protein 237; minus strand). Cytogenetic location: 2q33.1.
Variant type: single nucleotide variant.
Coding change: c.*564T>C on transcript NM_001044385.3 (MANE Select); 564 bases downstream of the stop codon, T replaced by C.
Molecular consequence: 3 prime UTR variant.
Genome position (GRCh38, 1-based): chr2:201,623,691, A>G on the plus strand (T>C on the coding strand, the complement: TMEM237 is on the minus strand). VCF-style: chr2-201623691-A-G. GRCh37 (hg19) VCF-style: chr2-202488414-A-G.
Other names: c.*564T>C (NM_152388.4).
Identifiers: ClinVar variation 897790 (VCV000897790.4), dbSNP rs141560423, ClinGen allele CA63949708.
Genomic context (GRCh38, chr2:201,623,691, plus strand): 5'-AGTACAGATTATAATGAGAAGCAACTTTTTAGTTACTTCTAGGTAAAAAATTTAGGTTAT[A>G]TAATTTTTCAAACAAAACATACATTCCCTTTTTATTGGTCATAATGTAGAGCATCTTTCA-3'

ClinVar aggregate classification (germline): Benign (1 of 4 stars; one submission).

Conditions:
Joubert syndrome 14 (JBTS14). Identifiers: MedGen C3280766, MONDO:0013745, OMIM 614424.

Allele frequency attached by ClinVar (database versions not stated): gnomAD 0.00113 and 0.00120; 1000 Genomes Project 0.00300; 1000 Genomes Project 30x 0.00328; TOPMed 0.00332.

Submission:

Illumina Laboratory Services, Illumina
Classification: Benign for Joubert syndrome 14. Last evaluated: 2017-10-17. Review status: criteria provided, single submitter. Criteria: ICSL Variant Classification Criteria 13 December 2019. Collection method: clinical testing. Allele origin: germline.
Comment: This variant was observed as part of a predisposition screen in an ostensibly healthy population. A literature search was performed for the gene, cDNA change, and amino acid change (where applicable). No publications were found based on this search. Allele frequency data from public databases was too high to be consistent with this variant causing disease. Therefore, this variant is classified as benign.